The following is an entry in ClinVar:

NM_001244926.2(PRPF4):c.1477A>G (p.Lys493Glu)

Gene: PRPF4 (pre-mRNA splicing tri-snRNP complex factor PRPF4; plus strand). Cytogenetic location: 9q32.
Variant type: single nucleotide variant.
Coding change: c.1477A>G on transcript NM_001244926.2 (MANE Select); coding-DNA position 1477, A replaced by G.
Protein change: p.Lys493Glu; replaces lysine 493 with glutamic acid.
Molecular consequence: missense variant. On other transcripts: non-coding transcript variant (2).
Genome position (GRCh38, 1-based): chr9:113,291,571, A>G. VCF-style: chr9-113291571-A-G. GRCh37 (hg19) VCF-style: chr9-116053851-A-G.
Other names: c.751A>G, p.Lys251Glu (NM_001322266.2, NM_001322267.2); c.1480A>G, p.Lys494Glu (NM_004697.5); short protein forms K494E, K251E, K493E.
Identifiers: ClinVar variation 949987 (VCV000949987.9), dbSNP rs1832609402, ClinGen allele CA374556295.

ClinVar aggregate classification (germline): Uncertain significance (1 of 4 stars; one submission).

Submission:

Labcorp Genetics (formerly Invitae), Labcorp
Classification: Uncertain significance. Last evaluated: 2019-07-06. Review status: criteria provided, single submitter. Criteria: Invitae Variant Classification Sherloc (09022015). Collection method: clinical testing. Allele origin: germline.
Comment: In summary, the available evidence is currently insufficient to determine the role of this variant in disease. Therefore, it has been classified as a Variant of Uncertain Significance. Algorithms developed to predict the effect of missense changes on protein structure and function are either unavailable or do not agree on the potential impact of this missense change (SIFT: "Deleterious"; PolyPhen-2: "Probably Damaging"; Align-GVGD: "Class C0"). This variant has not been reported in the literature in individuals with PRPF4-related conditions. This variant is not present in population databases (ExAC no frequency). This sequence change replaces lysine with glutamic acid at codon 494 of the PRPF4 protein (p.Lys494Glu). The lysine residue is highly conserved and there is a small physicochemical difference between lysine and glutamic acid.